The following is an entry in ClinVar:

ClinVar aggregate classification (germline): Conflicting classifications of pathogenicity. Review status: criteria provided, conflicting classifications (1 of 4 stars). 12 submissions from 12 submitters: Uncertain significance (2); Likely benign (5). 5 of the submissions do not count toward it. Last evaluated 2026-01-20.

Conditions:
Inborn genetic diseases. Identifiers: MedGen C0950123, MeSH D030342.
NPC1-related disorder. Also called: NPC1-related condition.
Niemann-Pick disease, type C1. Also called: NEUROVISCERAL STORAGE DISEASE WITH VERTICAL SUPRANUCLEAR OPHTHALMOPLEGIA; NIEMANN-PICK DISEASE WITH CHOLESTEROL ESTERIFICATION BLOCK; NIEMANN-PICK DISEASE WITHOUT SPHINGOMYELINASE DEFICIENCY; NIEMANN-PICK DISEASE, CHRONIC NEURONOPATHIC FORM; NIEMANN-PICK DISEASE, VARIANT TYPE C1. Identifiers: Orphanet 646, MedGen C3179455, MONDO:0009757, OMIM 257220.

Allele frequency attached by ClinVar (database versions not stated): TOPMed 0.00021; gnomAD 0.00024 and 0.00027; gnomAD exomes 0.00027 and 0.00030; ExAC 0.00034; ESP Exome Variant Server 0.00038.
gnomAD v4.1: 419 of 1,613,958 alleles (0.026%); highest among the groups gnomAD compares: Non-Finnish European, 0.034%; 1 homozygote.

Submissions (12):

Labcorp Genetics (formerly Invitae), Labcorp
Classification: Likely benign for Niemann-Pick disease, type C1. Last evaluated: 2026-01-20. Review status: criteria provided, single submitter. Criteria: Invitae Variant Classification Sherloc (09022015). Collection method: clinical testing. Allele origin: germline.

CeGaT Center for Human Genetics Tuebingen
Classification: Likely benign. Last evaluated: 2025-12-01. Review status: criteria provided, single submitter. Criteria: CeGaT Center For Human Genetics Tuebingen Variant Classification Criteria Version 2. Collection method: clinical testing. Allele origin: germline. Affected: yes. Observed: 9 variant alleles.
Comment: NPC1: BP4, BP7

Laboratory of Genetics, Children's Clinical University Hospital Latvia
Classification: Likely benign. Last evaluated: 2025-02-16. Review status: criteria provided, single submitter. Criteria: ACMG Guidelines, 2015. Collection method: clinical testing. Allele origin: germline. Affected: yes.

Blueprint Genetics
Classification: Likely benign. Last evaluated: 2024-11-05. Review status: criteria provided, single submitter. Criteria: ACMG Guidelines, 2015. Collection method: clinical testing. Allele origin: germline.

Ambry Genetics
Classification: Likely benign for Inborn genetic diseases. Last evaluated: 2024-02-03. Review status: criteria provided, single submitter. Criteria: Ambry Variant Classification Scheme 2023. Collection method: clinical testing. Allele origin: germline.

Illumina Laboratory Services, Illumina
Classification: Uncertain significance for Niemann-Pick disease type C1. Last evaluated: 2018-01-12. Review status: criteria provided, single submitter. Criteria: ICSL Variant Classification Criteria 13 December 2019. Collection method: clinical testing. Allele origin: germline.

Eurofins Ntd Llc (ga)
Classification: Uncertain significance. Last evaluated: 2017-12-05. Review status: criteria provided, single submitter. Criteria: EGL Classification Definitions 2015. Collection method: clinical testing. Allele origin: germline. Observed: 3 variant alleles, 3 heterozygotes.

PreventionGenetics, part of Exact Sciences
Classification: Likely benign for NPC1-related condition. Last evaluated: 2022-08-26. Review status: no assertion criteria provided. Collection method: clinical testing. Allele origin: germline. Not counted in ClinVar's aggregate classification.
Comment: This variant is classified as likely benign based on ACMG/AMP sequence variant interpretation guidelines (Richards et al. 2015 PMID: 25741868, with internal and published modifications).

Natera, Inc.
Classification: Uncertain significance for Niemann-Pick disease type C1. Last evaluated: 2019-10-28. Review status: no assertion criteria provided. Collection method: clinical testing. Allele origin: germline. Not counted in ClinVar's aggregate classification.

Clinical Genetics DNA and cytogenetics Diagnostics Lab, Erasmus MC, Erasmus Medical Center
Classification: Likely benign. Review status: no assertion criteria provided. Collection method: clinical testing. Allele origin: germline. Affected: yes. Study: VKGL Data-share Consensus. Not counted in ClinVar's aggregate classification.

Clinical Genetics, Academic Medical Center
Classification: Benign. Review status: no assertion criteria provided. Collection method: clinical testing. Allele origin: germline. Affected: yes. Study: VKGL Data-share Consensus. Not counted in ClinVar's aggregate classification.

Genome Diagnostics Laboratory, Amsterdam University Medical Center
Classification: Likely benign. Review status: no assertion criteria provided. Collection method: clinical testing. Allele origin: germline. Affected: yes. Study: VKGL Data-share Consensus. Not counted in ClinVar's aggregate classification.

NM_000271.5(NPC1):c.1011G>T (p.Arg337=)

Gene: NPC1 (NPC intracellular cholesterol transporter 1; minus strand). Cytogenetic location: 18q11.2.
Variant type: single nucleotide variant.
Coding change: c.1011G>T on transcript NM_000271.5 (MANE Select); coding-DNA position 1011, G replaced by T.
Protein change: p.Arg337=; no amino-acid change (arginine 337 retained).
Molecular consequence: synonymous variant.
Genome position (GRCh38, 1-based): chr18:23,556,558, C>A on the plus strand (G>T on the coding strand, the complement: NPC1 is on the minus strand). VCF-style: chr18-23556558-C-A. GRCh37 (hg19) VCF-style: chr18-21136522-C-A.
Identifiers: ClinVar variation 288150 (VCV000288150.62), dbSNP rs147795644, ClinGen allele CA8913554.